The following is an entry in ClinVar:

ClinVar aggregate classification (germline): Uncertain significance. Review status: criteria provided, multiple submitters, no conflicts (2 of 4 stars). 2 submissions from 2 submitters: Uncertain significance (2). Last evaluated 2022-11-05.

Conditions:
Intellectual developmental disorder with seizures and language delay (IDDSELD). Identifiers: MedGen C5436574, MONDO:0033559, OMIM 619000.

Allele frequency attached by ClinVar (database versions not stated): gnomAD 0.00001; gnomAD exomes 0.00001; ExAC 0.00005.
gnomAD v4.1: 13 of 1,550,872 alleles (0.00084%); highest among the groups gnomAD compares: South Asian, 0.013%; no homozygotes.

Submissions (2):

Foundation for Research in Genetics and Endocrinology, FRIGE's Institute of Human Genetics
Classification: Uncertain significance for Intellectual developmental disorder with seizures and language delay. Last evaluated: 2022-11-05. Review status: criteria provided, single submitter. Criteria: ACMG Guidelines, 2015. Collection method: clinical testing. Allele origin: germline. Inheritance: Autosomal dominant inheritance. Affected: yes. Observed: 1 heterozygote.
Comment: A heterozygous missense variation in exon 2 of the SETD1B gene that results in the amino acid substitution of Lysine for Arginine at codon 30 was detected . This variant has not been reported in the 1000 genomes databases and gnomAD and has a minor allele frequency of 0.007% in our internal databases respectively. The in silico predictions# of the variant are possibly damaging by PolyPhen-2 (HumDiv). The reference codon is conserved across species. In summary, the variant meets our criteria to be classified as a variant of uncertain significance.

Revvity Omics, Revvity
Classification: Uncertain significance for Intellectual developmental disorder with seizures and language delay. Last evaluated: 2021-10-07. Review status: criteria provided, single submitter. Criteria: ACMG Guidelines, 2015. Collection method: clinical testing. Allele origin: germline.

NM_001353345.2(SETD1B):c.89G>A (p.Arg30Lys)

Gene: SETD1B (SET domain containing 1B, histone lysine methyltransferase; plus strand). Cytogenetic location: 12q24.31.
Variant type: single nucleotide variant.
Coding change: c.89G>A on transcript NM_001353345.2 (MANE Select); coding-DNA position 89, G replaced by A.
Protein change: p.Arg30Lys; replaces arginine 30 with lysine.
Molecular consequence: missense variant.
Genome position (GRCh38, 1-based): chr12:121,804,826, G>A. VCF-style: chr12-121804826-G-A. GRCh37 (hg19) VCF-style: chr12-122242732-G-A.
Other names: p.Arg30Lys; c.89G>A (NM_001353345.1); short protein forms R30K.
Identifiers: ClinVar variation 1727208 (VCV001727208.6), dbSNP rs752819288, ClinGen allele CA6838739.
Genomic context (GRCh38, chr12:121,804,826, plus strand): 5'-ACCACCAGCAGCCCCCGCCGCAGCCCGGCCCTTCGGGCGAGAGGAGGAACCACCATTGGA[G>A]AAGTTACAAGTTGATGATTGACCCGGCTCTGAAAAAGGGGCATCATAAACTGTACCGCTA-3'
Protein context (NP_001340274.1, residues 20-40): PSGERRNHHW[Arg30Lys]SYKLMIDPAL